The following is an entry in ClinVar:

ClinVar aggregate classification (germline): Likely pathogenic (1 of 4 stars; one submission).

Conditions:
Smith-Magenis syndrome (SMS). Also called: CHROMOSOME 17p11.2 DELETION SYNDROME. Identifiers: Orphanet 819, MedGen C0795864, MONDO:0008434, OMIM 182290.

Submission:

3billion
Classification: Likely pathogenic for Smith-Magenis syndrome. Review status: criteria provided, single submitter. Criteria: ACMG Guidelines, 2015. Collection method: clinical testing. Allele origin: unknown. Affected: yes. Observed: 1 heterozygote.
Comment: The variant is not observed in the gnomAD v2.1.1 dataset. It is a frameshift variant predicted to result in a loss or disruption of normal protein function through nonsense-mediated decay (NMD) or protein truncation. Multiple pathogenic variants are reported downstream of the variant. Therefore, this variant is classified as likely pathogenic according to the recommendation of ACMG/AMP guideline.

NM_030665.4(RAI1):c.1677del (p.Ser560fs)

Gene: RAI1 (retinoic acid induced 1; plus strand). Cytogenetic location: 17p11.2.
Variant type: Deletion.
Coding change: c.1677del on transcript NM_030665.4 (MANE Select); coding-DNA position 1677, one base deleted (C; older notation c.1677delC).
Protein change: p.Ser560fs; shifts the reading frame from serine 560.
Molecular consequence: frameshift variant.
Genome position (GRCh38, 1-based): chr17:17,794,625, C deleted; the last of 2 consecutive C bases (chr17:17,794,624-17,794,625); deleting either gives the same sequence. VCF-style (leftmost placement, unchanged base first): chr17-17794623-AC-A. GRCh37 (hg19) VCF-style: chr17-17697937-AC-A.
Other names: short protein forms S560fs.
Identifiers: ClinVar variation 2572574 (VCV002572574.1), dbSNP rs2508577262, ClinGen allele CA2580614027.